The following is an entry in ClinVar:

ClinVar aggregate classification (germline): Uncertain significance (1 of 4 stars; one submission).

gnomAD v4.1: 13 of 1,608,960 alleles (0.00081%); highest among the groups gnomAD compares: Non-Finnish European, 0.0011%; no homozygotes.

Submission:

Ambry Genetics
Classification: Uncertain significance. Last evaluated: 2026-03-29. Review status: criteria provided, single submitter. Criteria: Ambry Variant Classification Scheme 2023. Collection method: clinical testing. Allele origin: germline.
Comment: The p.G297E variant (also known as c.890G>A), located in coding exon 10 of the RASA2 gene, results from a G to A substitution at nucleotide position 890. The glycine at codon 297 is replaced by glutamic acid, an amino acid with similar properties. This amino acid position is conserved. In addition, this alteration is predicted to be deleterious by in silico analysis. Based on the available evidence, the clinical significance of this variant remains unclear.

NM_006506.5(RASA2):c.890G>A (p.Gly297Glu)

Gene: RASA2 (RAS p21 protein activator 2; plus strand). Cytogenetic location: 3q23.
Variant type: single nucleotide variant.
Coding change: c.890G>A on transcript NM_006506.5 (MANE Select); coding-DNA position 890, G replaced by A.
Protein change: p.Gly297Glu; replaces glycine 297 with glutamic acid.
Molecular consequence: missense variant.
Genome position (GRCh38, 1-based): chr3:141,570,938, G>A. VCF-style: chr3-141570938-G-A. GRCh37 (hg19) VCF-style: chr3-141289780-G-A.
Other names: c.890G>A, p.Gly297Glu (NM_001303245.3, NM_001303246.3); short protein forms G297E.
Identifiers: ClinVar variation 4862985 (VCV004862985.1).